The following is an entry in ClinVar:

NM_001267550.2(TTN):c.72943T>C (p.Tyr24315His)

Genes: TTN-AS1 (TTN antisense RNA 1; plus strand), TTN (titin; minus strand). Cytogenetic location: 2q31.2.
Variant type: single nucleotide variant.
Coding change: c.72943T>C on transcript NM_001267550.2 (MANE Select); coding-DNA position 72943, T replaced by C.
Protein change: p.Tyr24315His; replaces tyrosine 24315 with histidine.
Molecular consequence: missense variant.
Genome position (GRCh38, 1-based): chr2:178,573,189, A>G on the plus strand (T>C on the coding strand, the complement: TTN is on the minus strand). VCF-style: chr2-178573189-A-G. GRCh37 (hg19) VCF-style: chr2-179437916-A-G.
Other names: p.Y22674H:TAC>CAC; c.68020T>C, p.Tyr22674His (NM_001256850.1); c.45748T>C, p.Tyr15250His (NM_003319.4); c.65239T>C, p.Tyr21747His (NM_133378.4); c.46123T>C, p.Tyr15375His (NM_133432.3); c.46324T>C, p.Tyr15442His (NM_133437.4); short protein forms Y22674H, Y24315H, Y15250H, Y21747H, Y15375H, Y15442H.
Identifiers: ClinVar variation 202846 (VCV000202846.2), dbSNP rs794729492, ClinGen allele CA310466.

ClinVar aggregate classification (germline): Uncertain significance (1 of 4 stars; one submission).

Allele frequency attached by ClinVar (database versions not stated): gnomAD exomes below 0.00001; TOPMed 0.00001 and below 0.00001; gnomAD 0.00001.
gnomAD v4.1: 4 of 1,610,286 alleles (0.00025%); highest among the groups gnomAD compares: Non-Finnish European, 0.00034%; no homozygotes.

Submission:

GeneDx
Classification: Uncertain significance. Last evaluated: 2014-08-27. Review status: criteria provided, single submitter. Criteria: GeneDx Variant Classification (06012015). Collection method: clinical testing. Allele origin: germline. Affected: yes.
Comment: Missense variants in the TTN gene are considered 'unclassified' if they are not previously reported in the literature and do not have >1% frequency in the population to be considered a polymorphism. Research indicates that truncating mutations in the TTN gene are expected to account for approximately 25% of familial and 18% of sporadic idiopathic DCM; however, truncating variants in the TTN gene have been reported in approximately 3% of reported control alleles. There has been little investigation into non-truncating variants. (Herman D et al. Truncations of titin causing dilated cardiomyopathy. N Eng J Med 366:619-628, 2012) The variant is found in DCM-CRDM panel(s).